The following is an entry in ClinVar:

NM_001080512.3(BICC1):c.2010C>G (p.His670Gln)

Gene: BICC1 (BicC family RNA binding protein 1; plus strand). Cytogenetic location: 10q21.1.
Variant type: single nucleotide variant.
Coding change: c.2010C>G on transcript NM_001080512.3 (MANE Select); coding-DNA position 2010, C replaced by G.
Protein change: p.His670Gln; replaces histidine 670 with glutamine.
Molecular consequence: missense variant.
Genome position (GRCh38, 1-based): chr10:58,801,041, C>G. VCF-style: chr10-58801041-C-G. GRCh37 (hg19) VCF-style: chr10-60560801-C-G.
Other names: c.2010C>G (NM_001080512.1); short protein forms H670Q.
Identifiers: ClinVar variation 2183790 (VCV002183790.6), dbSNP rs377010255, ClinGen allele CA5508662.

ClinVar aggregate classification (germline): Uncertain significance. Review status: criteria provided, multiple submitters, no conflicts (2 of 4 stars). 3 submissions from 3 submitters: Uncertain significance (3). Last evaluated 2024-05-13.

Conditions:
Renal dysplasia, cystic, susceptibility to. Identifiers: MedGen C3275898, MONDO:0011037, OMIM 601331.

Allele frequency attached by ClinVar (database versions not stated): ExAC 0.00002; gnomAD 0.00003; TOPMed 0.00004; ESP Exome Variant Server 0.00008.
gnomAD v4.1: 33 of 1,599,100 alleles (0.0021%); highest among the groups gnomAD compares: Non-Finnish European, 0.0027%; no homozygotes.

Submissions (3):

Fulgent Genetics
Classification: Uncertain significance for Renal dysplasia, cystic, susceptibility to. Last evaluated: 2024-05-13. Review status: criteria provided, single submitter. Criteria: ACMG Guidelines, 2015. Collection method: clinical testing. Allele origin: germline.

Ambry Genetics
Classification: Uncertain significance. Last evaluated: 2024-02-05. Review status: criteria provided, single submitter. Criteria: Ambry Variant Classification Scheme 2023. Collection method: clinical testing. Allele origin: germline.

Labcorp Genetics (formerly Invitae), Labcorp
Classification: Uncertain significance. Last evaluated: 2023-10-05. Review status: criteria provided, single submitter. Criteria: Invitae Variant Classification Sherloc (09022015). Collection method: clinical testing. Allele origin: germline.
Comment: This sequence change replaces histidine, which is basic and polar, with glutamine, which is neutral and polar, at codon 670 of the BICC1 protein (p.His670Gln). This variant is present in population databases (rs377010255, gnomAD 0.007%). This variant has not been reported in the literature in individuals affected with BICC1-related conditions. ClinVar contains an entry for this variant (Variation ID: 2183790). An algorithm developed to predict the effect of missense changes on protein structure and function (PolyPhen-2) suggests that this variant is likely to be disruptive. In summary, the available evidence is currently insufficient to determine the role of this variant in disease. Therefore, it has been classified as a Variant of Uncertain Significance.